The following is an entry in ClinVar:

NM_000397.4(CYBB):c.812A>C (p.Lys271Thr)

Gene: CYBB (cytochrome b-245 beta chain; plus strand). Cytogenetic location: Xp11.4.
Variant type: single nucleotide variant.
Coding change: c.812A>C on transcript NM_000397.4 (MANE Select); coding-DNA position 812, A replaced by C.
Protein change: p.Lys271Thr; replaces lysine 271 with threonine.
Molecular consequence: missense variant.
Genome position (GRCh38, 1-based): chrX:37,801,263, A>C. VCF-style: chrX-37801263-A-C. GRCh37 (hg19) VCF-style: chrX-37660516-A-C.
Other names: short protein forms K271T.
Identifiers: ClinVar variation 939969 (VCV000939969.11), dbSNP rs1157274812, ClinGen allele CA412976795.

ClinVar aggregate classification (germline): Uncertain significance. Review status: criteria provided, multiple submitters, no conflicts (2 of 4 stars). 2 submissions from 2 submitters: Uncertain significance (2). Last evaluated 2024-04-12.

Conditions:
Granulomatous disease, chronic, X-linked. Also called: GRANULOMATOUS DISEASE, CHRONIC, X-LINKED, SOMATIC MOSAIC; CYTOCHROME b-NEGATIVE GRANULOMATOUS DISEASE, CHRONIC, X-LINKED. Identifiers: Orphanet 379, MedGen C1844376, MONDO:0010600, OMIM 306400.

Allele frequency attached by ClinVar (database versions not stated): TOPMed below 0.00001; gnomAD 0.00001; gnomAD exomes 0.00001 and 0.00002.
gnomAD v4.1: 22 of 1,200,739 alleles (0.0018%); highest among the groups gnomAD compares: Non-Finnish European, 0.0024%; no homozygotes.

Submissions (2):

Women's Health and Genetics/Laboratory Corporation of America, LabCorp
Classification: Uncertain significance. Last evaluated: 2024-04-12. Review status: criteria provided, single submitter. Criteria: LabCorp Variant Classification Summary - May 2015. Collection method: clinical testing. Allele origin: germline.
Comment: Variant summary: CYBB c.812A>C (p.Lys271Thr) results in a non-conservative amino acid change in the encoded protein sequence. Three of five in-silico tools predict a damaging effect of the variant on protein function. The variant allele was found at a frequency of 5.5e-06 in 182812 control chromosomes (gnomAD). The available data on variant occurrences in the general population are insufficient to allow any conclusion about variant significance. To our knowledge, no occurrence of c.812A>C in individuals affected with X-Linked Chronic Granulomatous Disease and no experimental evidence demonstrating its impact on protein function have been reported. ClinVar contains an entry for this variant (Variation ID: 939969). Based on the evidence outlined above, the variant was classified as uncertain significance.

Labcorp Genetics (formerly Invitae), Labcorp
Classification: Uncertain significance for Granulomatous disease, chronic, X-linked. Last evaluated: 2022-10-22. Review status: criteria provided, single submitter. Criteria: Invitae Variant Classification Sherloc (09022015). Collection method: clinical testing. Allele origin: germline.
Comment: In summary, the available evidence is currently insufficient to determine the role of this variant in disease. Therefore, it has been classified as a Variant of Uncertain Significance. Algorithms developed to predict the effect of missense changes on protein structure and function (SIFT, PolyPhen-2, Align-GVGD) all suggest that this variant is likely to be disruptive. ClinVar contains an entry for this variant (Variation ID: 939969). This variant has not been reported in the literature in individuals affected with CYBB-related conditions. This variant is present in population databases (no rsID available, gnomAD 0.001%). This sequence change replaces lysine, which is basic and polar, with threonine, which is neutral and polar, at codon 271 of the CYBB protein (p.Lys271Thr).